The following is an entry in ClinVar:

NM_001384140.1(PCDH15):c.344T>C (p.Val115Ala)

Gene: PCDH15 (protocadherin related 15; minus strand). Cytogenetic location: 10q21.1.
Variant type: single nucleotide variant.
Coding change: c.344T>C on transcript NM_001384140.1 (MANE Select); coding-DNA position 344, T replaced by C.
Protein change: p.Val115Ala; replaces valine 115 with alanine.
Molecular consequence: missense variant.
Genome position (GRCh38, 1-based): chr10:54,369,250, A>G on the plus strand (T>C on the coding strand, the complement: PCDH15 is on the minus strand). VCF-style: chr10-54369250-A-G. GRCh37 (hg19) VCF-style: chr10-56129010-A-G.
Other names: c.359T>C, p.Val120Ala (NM_001142763.2, NM_001142769.4, NM_001142771.2); c.344T>C, p.Val115Ala (NM_001142764.2, NM_001142765.2, NM_001142766.2 and 8 more transcripts); c.278T>C, p.Val93Ala (NM_001142768.2, NM_001142773.2, NM_001354404.2); short protein forms V120A, V115A, V93A.
Identifiers: ClinVar variation 1504834 (VCV001504834.8), dbSNP rs1315804369, ClinGen allele CA376542346.

ClinVar aggregate classification (germline): Uncertain significance (1 of 4 stars; one submission).

Allele frequency attached by ClinVar (database versions not stated): gnomAD exomes below 0.00001; TOPMed below 0.00001; gnomAD 0.00001.

Submission:

Labcorp Genetics (formerly Invitae), Labcorp
Classification: Uncertain significance. Last evaluated: 2021-05-09. Review status: criteria provided, single submitter. Criteria: Invitae Variant Classification Sherloc (09022015). Collection method: clinical testing. Allele origin: germline.
Comment: In summary, the available evidence is currently insufficient to determine the role of this variant in disease. Therefore, it has been classified as a Variant of Uncertain Significance. Algorithms developed to predict the effect of missense changes on protein structure and function are either unavailable or do not agree on the potential impact of this missense change (SIFT: "Tolerated"; PolyPhen-2: "Probably Damaging"; Align-GVGD: "Class C0"). This sequence change replaces valine with alanine at codon 115 of the PCDH15 protein (p.Val115Ala). The valine residue is highly conserved and there is a small physicochemical difference between valine and alanine. This variant is not present in population databases (ExAC no frequency). This variant has not been reported in the literature in individuals with PCDH15-related conditions.